The following is an entry in ClinVar:

ClinVar aggregate classification (germline): Pathogenic (1 of 4 stars; one submission).

Conditions:
Tuberous sclerosis 2 (TSC2). Identifiers: Orphanet 805, MedGen C1860707, MONDO:0013199, OMIM 613254.

Submission:

Labcorp Genetics (formerly Invitae), Labcorp
Classification: Pathogenic for Tuberous sclerosis 2. Last evaluated: 2022-07-14. Review status: criteria provided, single submitter. Criteria: Invitae Variant Classification Sherloc (09022015). Collection method: clinical testing. Allele origin: germline.
Comment: This sequence change creates a premature translational stop signal (p.Asn1707Lysfs*22) in the TSC2 gene. It is expected to result in an absent or disrupted protein product. Loss-of-function variants in TSC2 are known to be pathogenic (PMID: 10205261, 17304050). This variant is not present in population databases (gnomAD no frequency). This premature translational stop signal has been observed in individual(s) with clinical features of tuberous sclerosis complex (Invitae). For these reasons, this variant has been classified as Pathogenic.

Literature cited by the submitters: PubMed 10205261; PubMed 17304050.

NM_000548.5(TSC2):c.5120dup (p.Asn1707fs)

Gene: TSC2 (TSC complex subunit 2; plus strand). Cytogenetic location: 16p13.3.
Variant type: Duplication.
Coding change: c.5120dup on transcript NM_000548.5 (MANE Select); coding-DNA position 5120, one base duplicated (A; older notation c.5120dupA).
Protein change: p.Asn1707fs; shifts the reading frame from asparagine 1707.
Molecular consequence: frameshift variant.
Genome position (GRCh38, 1-based): chr16:2,088,099, A duplicated; the last of 2 consecutive A bases (chr16:2,088,098-2,088,099); duplicating either gives the same sequence. VCF-style (leftmost placement, unchanged base first): chr16-2088097-C-CA. GRCh37 (hg19) VCF-style: chr16-2138098-C-CA.
Other names: c.4919dup, p.Asn1640fs (NM_001077183.3); c.5051dup, p.Asn1684fs (NM_001114382.3); c.4811dup, p.Asn1604fs (NM_001318827.2); c.4775dup, p.Asn1592fs (NM_001318829.2); c.4388dup, p.Asn1463fs (NM_001318831.2); c.4952dup, p.Asn1651fs (NM_001318832.2); c.4922dup, p.Asn1641fs (NM_001363528.2); c.4988dup, p.Asn1663fs (NM_001370404.1); and 26 more; short protein forms N1463fs, N1592fs, N1604fs, N1651fs, N1684fs, N1707fs, N1640fs, N1663fs.
Identifiers: ClinVar variation 2016862 (VCV002016862.4), dbSNP rs2544479059, ClinGen allele CA2580091154.